The following is an entry in ClinVar:

ClinVar aggregate classification (germline): Pathogenic/Likely pathogenic. Review status: criteria provided, multiple submitters, no conflicts (2 of 4 stars). 3 submissions from 3 submitters: Pathogenic (1); Likely pathogenic (2). Last evaluated 2024-07-01.

Conditions:
Hereditary spherocytosis type 1. Also called: Spherocytosis type 1; ANK1-Related Spherocytosis. Identifiers: Orphanet 822, MedGen C2674218, MONDO:0008447, OMIM 182900.

Submissions (3):

Revvity Omics, Revvity
Classification: Likely pathogenic for Hereditary spherocytosis type 1. Last evaluated: 2024-07-01. Review status: criteria provided, single submitter. Criteria: ACMG Guidelines, 2015. Collection method: clinical testing. Allele origin: germline.

Labcorp Genetics (formerly Invitae), Labcorp
Classification: Likely pathogenic. Last evaluated: 2023-08-28. Review status: criteria provided, single submitter. Criteria: Invitae Variant Classification Sherloc (09022015). Collection method: clinical testing. Allele origin: germline.
Comment: In summary, the currently available evidence indicates that the variant is pathogenic, but additional data are needed to prove that conclusively. Therefore, this variant has been classified as Likely Pathogenic. Algorithms developed to predict the effect of sequence changes on RNA splicing suggest that this variant may disrupt the consensus splice site. This variant has not been reported in the literature in individuals affected with ANK1-related conditions. This variant is not present in population databases (gnomAD no frequency). This sequence change affects a donor splice site in intron 32 of the ANK1 gene. It is expected to disrupt RNA splicing. Variants that disrupt the donor or acceptor splice site typically lead to a loss of protein function (PMID: 16199547), and loss-of-function variants in ANK1 are known to be pathogenic (PMID: 8640229).

ARUP Laboratories, Molecular Genetics and Genomics, ARUP Laboratories
Classification: Pathogenic for Hereditary spherocytosis type 1. Last evaluated: 2023-04-10. Review status: criteria provided, single submitter. Criteria: ARUP Molecular Germline Variant Investigation Process 2024. Collection method: clinical testing. Allele origin: germline.
Comment: The ANK1 c.3984+1G>T variant, to our knowledge, is not reported in the medical literature or gene specific databases. This variant is also absent from the Genome Aggregation Database, indicating it is not a common polymorphism. This variant disrupts the canonical splice donor site of intron 32, which is likely to negatively impact gene function. Based on available information, this variant is considered to be pathogenic.

Literature cited by the submitters: PubMed 16199547 (cited by Labcorp Genetics (formerly Invitae), Labcorp); PubMed 8640229 (cited by Labcorp Genetics (formerly Invitae), Labcorp).

NM_000037.4(ANK1):c.3984+1G>T

Gene: ANK1 (ankyrin 1; minus strand). Cytogenetic location: 8p11.21.
Variant type: single nucleotide variant.
Coding change: c.3984+1G>T on transcript NM_000037.4 (MANE Select); the canonical splice donor site of the intron after coding-DNA position 3984, G replaced by T.
Molecular consequence: splice donor variant.
Genome position (GRCh38, 1-based): chr8:41,690,473, C>A on the plus strand (G>T on the coding strand, the complement: ANK1 is on the minus strand). VCF-style: chr8-41690473-C-A. GRCh37 (hg19) VCF-style: chr8-41547991-C-A.
Other names: c.4107+1G>T (NM_001142446.2); c.3984+1G>T (NM_020477.3, NM_020475.3, NM_020476.3).
Identifiers: ClinVar variation 2754070 (VCV002754070.5), dbSNP rs2486750141, ClinGen allele CA371058221.